The following is an entry in ClinVar:

ClinVar aggregate classification (germline): Likely benign (1 of 4 stars; one submission).

gnomAD v4.1: 28 of 1,526,330 alleles (0.0018%); highest among the groups gnomAD compares: African/African-American, 0.022%; 2 homozygotes.

Submission:

CeGaT Center for Human Genetics Tuebingen
Classification: Likely benign. Last evaluated: 2025-03-01. Review status: criteria provided, single submitter. Criteria: CeGaT Center For Human Genetics Tuebingen Variant Classification Criteria Version 2. Collection method: clinical testing. Allele origin: germline. Affected: yes. Observed: 1 variant allele.
Comment: OVCA2: BP4, BP7

NM_080822.3(OVCA2):c.256T>C (p.Leu86=)

Genes: DPH1 (diphthamide biosynthesis 1; plus strand), OVCA2 (OVCA2 serine hydrolase domain containing; plus strand). Cytogenetic location: 17p13.3.
Variant type: single nucleotide variant.
Coding change: c.256T>C on transcript NM_080822.3 (MANE Select); coding-DNA position 256, T replaced by C.
Protein change: p.Leu86=; no amino-acid change (leucine 86 retained).
Molecular consequence: synonymous variant. On other transcripts: 3 prime UTR variant (4), non-coding transcript variant (3).
Genome position (GRCh38, 1-based): chr17:2,042,676, T>C. VCF-style: chr17-2042676-T-C. GRCh37 (hg19) VCF-style: chr17-1945970-T-C.
Other names: c.*90T>C (NM_001346574.1, NM_001346575.1, NM_001346576.2 and 1 more transcripts).
Identifiers: ClinVar variation 3778289 (VCV003778289.7).